The following is an entry in ClinVar:

ClinVar aggregate classification (germline): Uncertain significance (1 of 4 stars; one submission).

Allele frequency attached by ClinVar (database versions not stated): TOPMed 0.00011; ExAC 0.00002; gnomAD 0.00008; gnomAD exomes 0.00013.
gnomAD v4.1: 228 of 1,610,598 alleles (0.014%); highest among the groups gnomAD compares: Admixed American, 0.025%; no homozygotes.

Submission:

Ambry Genetics
Classification: Uncertain significance. Last evaluated: 2025-12-08. Review status: criteria provided, single submitter. Criteria: Ambry Variant Classification Scheme 2023. Collection method: clinical testing. Allele origin: germline.
Comment: The c.68C>T (p.P23L) alteration is located in exon 1 (coding exon 1) of the MEP1A gene. This alteration results from a C to T substitution at nucleotide position 68, causing the proline (P) at amino acid position 23 to be replaced by a leucine (L). Based on data from gnomAD, the T allele has an overall frequency of 0.009% (25/280710) total alleles studied. The highest observed frequency was 0.029% (10/34948) of Latino alleles. Based on insufficient or conflicting evidence, the clinical significance of this alteration remains unclear.

NM_005588.3(MEP1A):c.68C>T (p.Pro23Leu)

Gene: MEP1A (meprin A subunit alpha; plus strand). Cytogenetic location: 6p12.3.
Variant type: single nucleotide variant.
Coding change: c.68C>T on transcript NM_005588.3 (MANE Select); coding-DNA position 68, C replaced by T.
Protein change: p.Pro23Leu; replaces proline 23 with leucine.
Molecular consequence: missense variant.
Genome position (GRCh38, 1-based): chr6:46,793,466, C>T. VCF-style: chr6-46793466-C-T. GRCh37 (hg19) VCF-style: chr6-46761203-C-T.
Other names: short protein forms P23L.
Identifiers: ClinVar variation 3125323 (VCV003125323.2), dbSNP rs200179875, ClinGen allele CA3840673.